The following is an entry in ClinVar:

ClinVar aggregate classification (germline): Likely benign. Review status: criteria provided, multiple submitters, no conflicts (2 of 4 stars). 2 submissions from 2 submitters: Likely benign (2). Last evaluated 2026-02-01.

Conditions:
Inborn genetic diseases. Identifiers: MedGen C0950123, MeSH D030342.

gnomAD v4.1: 1,481 of 1,610,464 alleles (0.092%); highest among the groups gnomAD compares: Non-Finnish European, 0.11%; 2 homozygotes.

Submissions (2):

CeGaT Center for Human Genetics Tuebingen
Classification: Likely benign. Last evaluated: 2026-02-01. Review status: criteria provided, single submitter. Criteria: CeGaT Center For Human Genetics Tuebingen Variant Classification Criteria Version 2. Collection method: clinical testing. Allele origin: germline. Affected: yes. Observed: 3 variant alleles.
Comment: AP1G1: PP2, BS2

Ambry Genetics
Classification: Likely benign for Inborn genetic diseases. Last evaluated: 2024-11-20. Review status: criteria provided, single submitter. Criteria: Ambry Variant Classification Scheme 2023. Collection method: clinical testing. Allele origin: germline.

NM_001128.6(AP1G1):c.535A>T (p.Thr179Ser)

Gene: AP1G1 (adaptor related protein complex 1 subunit gamma 1; minus strand). Cytogenetic location: 16q22.2.
Variant type: single nucleotide variant.
Coding change: c.535A>T on transcript NM_001128.6 (MANE Select); coding-DNA position 535, A replaced by T.
Protein change: p.Thr179Ser; replaces threonine 179 with serine.
Molecular consequence: missense variant.
Genome position (GRCh38, 1-based): chr16:71,771,186, T>A on the plus strand (A>T on the coding strand, the complement: AP1G1 is on the minus strand). VCF-style: chr16-71771186-T-A. GRCh37 (hg19) VCF-style: chr16-71805089-T-A.
Other names: c.535A>T, p.Thr179Ser (NM_001030007.2); short protein forms T179S.
Identifiers: ClinVar variation 3403161 (VCV003403161.8).